The following is an entry in ClinVar:

NM_017644.3(KLHL24):c.1658G>A (p.Arg553Gln)

Gene: KLHL24 (kelch like family member 24; plus strand). Cytogenetic location: 3q27.1.
Variant type: single nucleotide variant.
Coding change: c.1658G>A on transcript NM_017644.3 (MANE Select); coding-DNA position 1658, G replaced by A.
Protein change: p.Arg553Gln; replaces arginine 553 with glutamine.
Molecular consequence: missense variant. On other transcripts: non-coding transcript variant (2).
Genome position (GRCh38, 1-based): chr3:183,679,141, G>A. VCF-style: chr3-183679141-G-A. GRCh37 (hg19) VCF-style: chr3-183396929-G-A.
Other names: c.1733G>A, p.Arg578Gln (NM_001349413.1, NM_001349427.1, NM_001349414.1 and 4 more transcripts); c.1658G>A, p.Arg553Gln (NM_001349424.1, NM_001349425.1, NM_001349426.1 and 5 more transcripts); c.815G>A, p.Arg272Gln (NM_001349428.1, NM_001349429.1); short protein forms R553Q, R578Q, R272Q.
Identifiers: ClinVar variation 2459080 (VCV002459080.3), dbSNP rs372685468, ClinGen allele CA2721804.

ClinVar aggregate classification (germline): Uncertain significance. Review status: criteria provided, multiple submitters, no conflicts (2 of 4 stars). 2 submissions from 2 submitters: Uncertain significance (2). Last evaluated 2026-06-01.

Conditions:
KLHL24-related disorder. Also called: KLHL24-related condition.
Inborn genetic diseases. Identifiers: MedGen C0950123, MeSH D030342.

Allele frequency attached by ClinVar (database versions not stated): gnomAD exomes 0.00004; ExAC 0.00005; ESP Exome Variant Server 0.00008; gnomAD 0.00026; TOPMed 0.00027.
gnomAD v4.1: 95 of 1,613,788 alleles (0.0059%); highest among the groups gnomAD compares: African/African-American, 0.11%; no homozygotes.

Submissions (2):

PreventionGenetics, part of Exact Sciences
Classification: Uncertain significance for KLHL24-related condition. Last evaluated: 2026-06-01. Review status: criteria provided, single submitter. Criteria: ACMG Guidelines, 2015. Collection method: clinical testing. Allele origin: germline.
Comment: The KLHL24 c.1658G>A variant is predicted to result in the amino acid substitution p.Arg553Gln. To our knowledge, this variant has not been reported in the literature. This variant is reported in 0.064% of alleles in individuals of African descent in gnomAD. Although we suspect that this variant may be benign, at this time, the clinical significance of this variant is uncertain due to the absence of conclusive functional and genetic evidence.

Ambry Genetics
Classification: Uncertain significance for Inborn genetic diseases. Last evaluated: 2023-03-06. Review status: criteria provided, single submitter. Criteria: Ambry Variant Classification Scheme 2023. Collection method: clinical testing. Allele origin: germline.